The following is an entry in ClinVar:

NM_025152.3(NUBPL):c.256+6A>G

Gene: NUBPL (NUBP iron-sulfur cluster assembly factor, mitochondrial; plus strand). Cytogenetic location: 14q12.
Variant type: single nucleotide variant.
Coding change: c.256+6A>G on transcript NM_025152.3 (MANE Select); 6 bases into the intron after coding-DNA position 256, A replaced by G.
Molecular consequence: intron variant.
Genome position (GRCh38, 1-based): chr14:31,562,221, A>G. VCF-style: chr14-31562221-A-G. GRCh37 (hg19) VCF-style: chr14-32031427-A-G.
Other names: c.256+6A>G (NM_025152.2).
Identifiers: ClinVar variation 1438457 (VCV001438457.8), dbSNP rs373055016, ClinGen allele CA7147754.

ClinVar aggregate classification (germline): Conflicting classifications of pathogenicity. Review status: criteria provided, conflicting classifications (1 of 4 stars). 3 submissions from 3 submitters: Uncertain significance (1); Likely benign (1). 1 of the submissions does not count toward it. Last evaluated 2024-06-25.

Conditions:
NUBPL-related disorder. Also called: NUBPL-related condition.

Allele frequency attached by ClinVar (database versions not stated): gnomAD exomes 0.00007 and 0.00014; ExAC 0.00008; ESP Exome Variant Server 0.00008; gnomAD 0.00009 and 0.00010; TOPMed 0.00009.
gnomAD v4.1: 209 of 1,611,782 alleles (0.013%); highest among the groups gnomAD compares: Non-Finnish European, 0.016%; no homozygotes.

Submissions (3):

Blueprint Genetics
Classification: Likely benign. Last evaluated: 2024-06-25. Review status: criteria provided, single submitter. Criteria: ACMG Guidelines, 2015. Collection method: clinical testing. Allele origin: germline.

Labcorp Genetics (formerly Invitae), Labcorp
Classification: Uncertain significance. Last evaluated: 2021-12-03. Review status: criteria provided, single submitter. Criteria: Invitae Variant Classification Sherloc (09022015). Collection method: clinical testing. Allele origin: germline.
Comment: This variant is present in population databases (rs373055016, gnomAD 0.02%). This sequence change falls in intron 2 of the NUBPL gene. It does not directly change the encoded amino acid sequence of the NUBPL protein. It affects a nucleotide within the consensus splice site. This variant has not been reported in the literature in individuals affected with NUBPL-related conditions. In summary, the available evidence is currently insufficient to determine the role of this variant in disease. Therefore, it has been classified as a Variant of Uncertain Significance. Variants that disrupt the consensus splice site are a relatively common cause of aberrant splicing (PMID: 17576681, 9536098). Algorithms developed to predict the effect of sequence changes on RNA splicing suggest that this variant is not likely to affect RNA splicing.

PreventionGenetics, part of Exact Sciences
Classification: Likely benign for NUBPL-related condition. Last evaluated: 2020-10-14. Review status: no assertion criteria provided. Collection method: clinical testing. Allele origin: germline. Not counted in ClinVar's aggregate classification.
Comment: This variant is classified as likely benign based on ACMG/AMP sequence variant interpretation guidelines (Richards et al. 2015 PMID: 25741868, with internal and published modifications).

Literature cited by the submitters: PubMed 17576681 (cited by Labcorp Genetics (formerly Invitae), Labcorp); PubMed 9536098 (cited by Labcorp Genetics (formerly Invitae), Labcorp).